The following is an entry in ClinVar:

NM_001205293.3(CACNA1E):c.343G>A (p.Asp115Asn)

Gene: CACNA1E (calcium voltage-gated channel subunit alpha1 E; plus strand). Cytogenetic location: 1q25.3.
Variant type: single nucleotide variant.
Coding change: c.343G>A on transcript NM_001205293.3 (MANE Select); coding-DNA position 343, G replaced by A.
Protein change: p.Asp115Asn; replaces aspartic acid 115 with asparagine.
Molecular consequence: missense variant.
Genome position (GRCh38, 1-based): chr1:181,510,553, G>A. VCF-style: chr1-181510553-G-A. GRCh37 (hg19) VCF-style: chr1-181479689-G-A.
Other names: c.343G>A, p.Asp115Asn (NM_000721.4, NM_001205294.2); short protein forms D115N.
Identifiers: ClinVar variation 2132049 (VCV002132049.4), dbSNP rs1476641632, ClinGen allele CA343845948.
Genomic context (GRCh38, chr1:181,510,553, plus strand): 5'-ATCCTGGCCACCATCATTGCCAACTGCATCGTCCTGGCCCTGGAGCAGCATCTTCCTGAG[G>A]ATGACAAGACCCCCATGTCCCGAAGACTGGTATGTGATTCCCCTCCTTCTCCCCTTTGCC-3'
Protein context (NP_001192222.1, residues 105-125): VLALEQHLPE[Asp115Asn]DKTPMSRRLE

ClinVar aggregate classification (germline): Uncertain significance (1 of 4 stars; one submission).

Submission:

Labcorp Genetics (formerly Invitae), Labcorp
Classification: Uncertain significance. Last evaluated: 2022-11-22. Review status: criteria provided, single submitter. Criteria: Invitae Variant Classification Sherloc (09022015). Collection method: clinical testing. Allele origin: germline.
Comment: This variant has not been reported in the literature in individuals affected with CACNA1E-related conditions. In summary, the available evidence is currently insufficient to determine the role of this variant in disease. Therefore, it has been classified as a Variant of Uncertain Significance. Advanced modeling of protein sequence and biophysical properties (such as structural, functional, and spatial information, amino acid conservation, physicochemical variation, residue mobility, and thermodynamic stability) has been performed at Invitae for this missense variant, however the output from this modeling did not meet the statistical confidence thresholds required to predict the impact of this variant on CACNA1E protein function. This variant is not present in population databases (gnomAD no frequency). This sequence change replaces aspartic acid, which is acidic and polar, with asparagine, which is neutral and polar, at codon 115 of the CACNA1E protein (p.Asp115Asn).